The following is an entry in ClinVar:

ClinVar aggregate classification (germline): Uncertain significance. Review status: criteria provided, multiple submitters, no conflicts (2 of 4 stars). 5 submissions from 4 submitters: Uncertain significance (5). Last evaluated 2023-04-11.

Conditions:
Inborn genetic diseases. Identifiers: MedGen C0950123, MeSH D030342.
Ectopia lentis et pupillae. Also called: ECTOPIA LENTIS WITH ECTOPIA OF PUPIL. Identifiers: Orphanet 1885, MedGen C1644196, MONDO:0009153, OMIM 225200.
Ectopia lentis 2, isolated, autosomal recessive (ECTOL2). Identifiers: Orphanet 1885, MedGen C3541474, MONDO:0009152, OMIM 225100.

Allele frequency attached by ClinVar (database versions not stated): gnomAD exomes 0.00005 and 0.00004; gnomAD 0.00006 and 0.00004; TOPMed 0.00006; ExAC 0.00005; 1000 Genomes Project 30x 0.00031; 1000 Genomes Project 0.00040.
gnomAD v4.1: 65 of 1,609,810 alleles (0.004%); highest among the groups gnomAD compares: East Asian, 0.0067%; no homozygotes.

Submissions (5):

Genome-Nilou Lab
Classification: Uncertain significance for Ectopia lentis et pupillae. Last evaluated: 2023-04-11. Review status: criteria provided, single submitter. Criteria: ACMG Guidelines, 2015. Collection method: clinical testing. Allele origin: germline. Affected: no.

Genome-Nilou Lab
Classification: Uncertain significance for Ectopia lentis 2, isolated, autosomal recessive. Last evaluated: 2023-04-11. Review status: criteria provided, single submitter. Criteria: ACMG Guidelines, 2015. Collection method: clinical testing. Allele origin: germline. Affected: no.

Ambry Genetics
Classification: Uncertain significance for Inborn genetic diseases. Last evaluated: 2023-01-10. Review status: criteria provided, single submitter. Criteria: Ambry Variant Classification Scheme 2023. Collection method: clinical testing. Allele origin: germline.

Labcorp Genetics (formerly Invitae), Labcorp
Classification: Uncertain significance. Last evaluated: 2022-08-08. Review status: criteria provided, single submitter. Criteria: Invitae Variant Classification Sherloc (09022015). Collection method: clinical testing. Allele origin: germline.
Comment: This sequence change replaces arginine, which is basic and polar, with cysteine, which is neutral and slightly polar, at codon 703 of the ADAMTSL4 protein (p.Arg703Cys). This variant is present in population databases (rs587737331, gnomAD 0.06%). This variant has not been reported in the literature in individuals affected with ADAMTSL4-related conditions. ClinVar contains an entry for this variant (Variation ID: 874415). Algorithms developed to predict the effect of missense changes on protein structure and function (SIFT, PolyPhen-2, Align-GVGD) all suggest that this variant is likely to be disruptive. In summary, the available evidence is currently insufficient to determine the role of this variant in disease. Therefore, it has been classified as a Variant of Uncertain Significance.

Illumina Laboratory Services, Illumina
Classification: Uncertain significance for Ectopia lentis 2, isolated, autosomal recessive. Last evaluated: 2018-01-12. Review status: criteria provided, single submitter. Criteria: ICSL Variant Classification Criteria 13 December 2019. Collection method: clinical testing. Allele origin: germline.

NM_019032.6(ADAMTSL4):c.2107C>T (p.Arg703Cys)

Genes: ADAMTSL4 (ADAMTS like 4; plus strand), ADAMTSL4-AS2 (ADAMTSL4 antisense RNA 2; minus strand). Cytogenetic location: 1q21.2.
Variant type: single nucleotide variant.
Coding change: c.2107C>T on transcript NM_019032.6 (MANE Select); coding-DNA position 2107, C replaced by T.
Protein change: p.Arg703Cys; replaces arginine 703 with cysteine.
Molecular consequence: missense variant.
Genome position (GRCh38, 1-based): chr1:150,557,553, C>T. VCF-style: chr1-150557553-C-T. GRCh37 (hg19) VCF-style: chr1-150530029-C-T.
Other names: c.1990C>T, p.Arg664Cys (NM_001288607.2); c.2176C>T, p.Arg726Cys (NM_001288608.2); c.2107C>T, p.Arg703Cys (NM_001378596.1, NM_025008.5); short protein forms R703C, R726C, R664C.
Identifiers: ClinVar variation 874415 (VCV000874415.9), dbSNP rs587737331, ClinGen allele CA1078535.